The following is an entry in ClinVar:

ClinVar aggregate classification (germline): Benign (0 of 4 stars; one submission).

Conditions:
EFCAB5-related disorder. Also called: EFCAB5-related condition.

Allele frequency attached by ClinVar (database versions not stated): 1000 Genomes Project 30x 0.00016; 1000 Genomes Project 0.00020; ESP Exome Variant Server 0.00067; gnomAD exomes 0.00076; TOPMed 0.00099; gnomAD 0.00101; ExAC 0.00118.
gnomAD v4.1: 1,341 of 1,613,874 alleles (0.083%); highest among the groups gnomAD compares: Middle Eastern, 0.56%; 8 homozygotes.

Submission:

PreventionGenetics, part of Exact Sciences
Classification: Benign for EFCAB5-related condition. Last evaluated: 2019-06-11. Review status: no assertion criteria provided. Collection method: clinical testing. Allele origin: germline.
Comment: This variant is classified as benign based on ACMG/AMP sequence variant interpretation guidelines (Richards et al. 2015 PMID: 25741868, with internal and published modifications).

NM_198529.4(EFCAB5):c.2013A>G (p.Ser671=)

Gene: EFCAB5 (EF-hand calcium binding domain 5; plus strand). Cytogenetic location: 17q11.2.
Variant type: single nucleotide variant.
Coding change: c.2013A>G on transcript NM_198529.4 (MANE Select); coding-DNA position 2013, A replaced by G.
Protein change: p.Ser671=; no amino-acid change (serine 671 retained).
Molecular consequence: synonymous variant. On other transcripts: non-coding transcript variant (1).
Genome position (GRCh38, 1-based): chr17:30,053,967, A>G. VCF-style: chr17-30053967-A-G. GRCh37 (hg19) VCF-style: chr17-28380985-A-G.
Other names: c.1845A>G, p.Ser615= (NM_001145053.2).
Identifiers: ClinVar variation 3041535 (VCV003041535.2), dbSNP rs200049056, ClinGen allele CA8478899.
Genomic context (GRCh38, chr17:30,053,967, plus strand): 5'-AGAACAAGGACCTTATGGAGAGATAATTTCAGAAGAGCAAGAAGACATAGGCTCAACTTC[A>G]CAATCAAGAAAAGATAGTATCTTAAAAAGTACAAAATATGGGGAACCTATAACCTCTGAG-3'
Protein context (NP_940931.3, residues 661-681): SEEQEDIGST[Ser671=]QSRKDSILKS